The following is an entry in ClinVar:

NM_006517.5(SLC16A2):c.1399G>A (p.Gly467Ser)

Gene: SLC16A2 (solute carrier family 16 member 2; plus strand). Cytogenetic location: Xq13.2.
Variant type: single nucleotide variant.
Coding change: c.1399G>A on transcript NM_006517.5 (MANE Select); coding-DNA position 1399, G replaced by A.
Protein change: p.Gly467Ser; replaces glycine 467 with serine.
Molecular consequence: missense variant.
Genome position (GRCh38, 1-based): chrX:74,529,441, G>A. VCF-style: chrX-74529441-G-A. GRCh37 (hg19) VCF-style: chrX-73749276-G-A.
Other names: short protein forms G467S.
Identifiers: ClinVar variation 4293135 (VCV004293135.1).

ClinVar aggregate classification (germline): Uncertain significance (1 of 4 stars; one submission).

Conditions:
Allan-Herndon-Dudley syndrome (AHDS). Also called: ALLAN-HERNDON SYNDROME; MENTAL RETARDATION AND MUSCULAR ATROPHY; T3 RESISTANCE; TRIIODOTHYRONINE RESISTANCE; Passos-Bueno syndrome. Identifiers: Orphanet 59, MedGen C0795889, MONDO:0010354, OMIM 300523.

Submission:

3billion
Classification: Uncertain significance for Allan-Herndon-Dudley syndrome. Last evaluated: 2025-02-18. Review status: criteria provided, single submitter. Criteria: ACMG Guidelines, 2015. Collection method: clinical testing. Allele origin: germline. Affected: yes.
Comment: The variant is not observed in the gnomAD v4.1.0 dataset. Predicted Consequence/Location: Missense variant In silico tool predictions suggest damaging effect of the variant on gene or gene product [REVEL: 0.79 (>=0.6, sensitivity 0.68 and specificity 0.92); 3Cnet: 0.20 (>=0.6, sensitivity 0.72 and precision 0.9)]. A different missense change at the same codon (p.Gly467Cys) has been reported to be associated with SLC16A2-related disorder (PMID: 25160547). However the evidence of pathogenicity is insufficient at this time. Therefore, this variant is classified as VUS according to the recommendation of ACMG/AMP guideline.

Literature cited by the submitters: PubMed 25160547.